The following is an entry in ClinVar:

ClinVar aggregate classification (germline): Benign. Review status: criteria provided, multiple submitters, no conflicts (2 of 4 stars). 4 submissions from 4 submitters: Benign (4). Last evaluated 2026-01-24.

Conditions:
NAF1-related disorder. Also called: NAF1-related condition.

Allele frequency attached by ClinVar (database versions not stated): TOPMed 0.00053; ESP Exome Variant Server 0.00055; gnomAD exomes 0.00155 and 0.00307; 1000 Genomes Project 30x 0.00172; 1000 Genomes Project 0.00220; gnomAD 0.00263 and 0.00277; ExAC 0.00364.
gnomAD v4.1: 2,665 of 1,612,956 alleles (0.17%); highest among the groups gnomAD compares: Non-Finnish European, 0.088%; 21 homozygotes.

Submissions (4):

Labcorp Genetics (formerly Invitae), Labcorp
Classification: Benign. Last evaluated: 2026-01-24. Review status: criteria provided, single submitter. Criteria: Invitae Variant Classification Sherloc (09022015). Collection method: clinical testing. Allele origin: germline.

PreventionGenetics, part of Exact Sciences
Classification: Benign for NAF1-related condition. Last evaluated: 2024-11-15. Review status: criteria provided, single submitter. Criteria: ACMG Guidelines, 2015. Collection method: clinical testing. Allele origin: germline.
Comment: This variant is classified as benign based on ACMG/AMP sequence variant interpretation guidelines (Richards et al. 2015 PMID: 25741868, with internal and published modifications).

Mayo Clinic Laboratories, Mayo Clinic
Classification: Benign. Last evaluated: 2023-10-31. Review status: criteria provided, single submitter. Criteria: ACMG Guidelines, 2015. Collection method: clinical testing. Allele origin: germline. Observed: 2 variant alleles.
Comment: BS1, BS2, BP4

Genetic Services Laboratory, University of Chicago
Classification: Benign. Last evaluated: 2018-09-13. Review status: criteria provided, single submitter. Criteria: ACMG Guidelines, 2015. Collection method: clinical testing. Allele origin: germline. Affected: no.

NM_138386.3(NAF1):c.83C>T (p.Ala28Val)

Gene: NAF1 (nuclear assembly factor 1 ribonucleoprotein; minus strand). Cytogenetic location: 4q32.2.
Variant type: single nucleotide variant.
Coding change: c.83C>T on transcript NM_138386.3 (MANE Select); coding-DNA position 83, C replaced by T.
Protein change: p.Ala28Val; replaces alanine 28 with valine.
Molecular consequence: missense variant.
Genome position (GRCh38, 1-based): chr4:163,166,645, G>A on the plus strand (C>T on the coding strand, the complement: NAF1 is on the minus strand). VCF-style: chr4-163166645-G-A. GRCh37 (hg19) VCF-style: chr4-164087797-G-A.
Other names: p.Ala28Val; c.83C>T, p.Ala28Val (NM_001128931.2); short protein forms A28V.
Identifiers: ClinVar variation 1336079 (VCV001336079.10), dbSNP rs182355036, ClinGen allele CA3126487.
Genomic context (GRCh38, chr4:163,166,645, plus strand): 5'-TCAAACGACTGTAGCGGCGGCTGTGTCCCTGGCACAGGGGCAGAGCCCGGAGACGGAGCC[G>A]CCGGACCTTCCCCAACTCCAAAGTCGGTGCCATTGAATTTCAGAGTTTCCAGCTGAGCGG-3'
Protein context (NP_612395.2, residues 18-38): GTDFGVGEGP[Ala28Val]APSPGSAPVP